The following is an entry in ClinVar:

ClinVar aggregate classification (germline): Benign (1 of 4 stars; one submission).

Conditions:
Familial intrahepatic cholestasis. Identifiers: Orphanet 284385, MedGen CN296401, MONDO:0017290.

gnomAD v4.1: 1,209 of 1,236,124 alleles (0.098%); highest among the groups gnomAD compares: East Asian, 2.6%; 16 homozygotes.

Submission:

Genomenon, Inc
Classification: Benign for Familial intrahepatic cholestasis. Last evaluated: 2026-04-14. Review status: criteria provided, single submitter. Criteria: Genomenon Sequence Variant Interpretation Standards - Updated. Collection method: curation. Allele origin: germline. Affected: no.
Comment: ABCB11 c.151-74A>T is an intronic variant located in intron 4. This variant is present at high allele frequency in population databases. In conclusion, we classify ABCB11 c.151-74A>T as a benign variant.

NM_003742.4(ABCB11):c.151-74A>T

Gene: ABCB11 (ATP binding cassette subfamily B member 11; minus strand). Cytogenetic location: 2q31.1.
Variant type: single nucleotide variant.
Coding change: c.151-74A>T on transcript NM_003742.4 (MANE Select); 74 bases into the intron before coding-DNA position 151, A replaced by T.
Molecular consequence: intron variant.
Genome position (GRCh38, 1-based): chr2:169,013,584, T>A on the plus strand (A>T on the coding strand, the complement: ABCB11 is on the minus strand). VCF-style: chr2-169013584-T-A. GRCh37 (hg19) VCF-style: chr2-169870094-T-A.
Identifiers: ClinVar variation 4846692 (VCV004846692.1).